The following is an entry in ClinVar:

NM_031935.3(HMCN1):c.12952G>A (p.Val4318Met)

Gene: HMCN1 (hemicentin 1; plus strand). Cytogenetic location: 1q31.1.
Variant type: single nucleotide variant.
Coding change: c.12952G>A on transcript NM_031935.3 (MANE Select); coding-DNA position 12952, G replaced by A.
Protein change: p.Val4318Met; replaces valine 4318 with methionine.
Molecular consequence: missense variant.
Genome position (GRCh38, 1-based): chr1:186,130,013, G>A. VCF-style: chr1-186130013-G-A. GRCh37 (hg19) VCF-style: chr1-186099145-G-A.
Other names: short protein forms V4318M.
Identifiers: ClinVar variation 2699525 (VCV002699525.3), dbSNP rs956715433, ClinGen allele CA343907004.

ClinVar aggregate classification (germline): Uncertain significance (1 of 4 stars; one submission).

Allele frequency attached by ClinVar (database versions not stated): gnomAD exomes below 0.00001.
gnomAD v4.1: 1 of 1,613,242 alleles (0.000062%); highest among the groups gnomAD compares: Non-Finnish European, 0.000085%; no homozygotes.

Submission:

Labcorp Genetics (formerly Invitae), Labcorp
Classification: Uncertain significance. Last evaluated: 2023-11-28. Review status: criteria provided, single submitter. Criteria: Invitae Variant Classification Sherloc (09022015). Collection method: clinical testing. Allele origin: germline.
Comment: This sequence change replaces valine, which is neutral and non-polar, with methionine, which is neutral and non-polar, at codon 4318 of the HMCN1 protein (p.Val4318Met). This variant is present in population databases (no rsID available, gnomAD 0.0009%). This variant has not been reported in the literature in individuals affected with HMCN1-related conditions. Algorithms developed to predict the effect of missense changes on protein structure and function output the following: SIFT: "Not Available"; PolyPhen-2: "Benign"; Align-GVGD: "Not Available". The methionine amino acid residue is found in multiple mammalian species, which suggests that this missense change does not adversely affect protein function. In summary, the available evidence is currently insufficient to determine the role of this variant in disease. Therefore, it has been classified as a Variant of Uncertain Significance.